The following is an entry in ClinVar:

NM_145290.4(ADGRA3):c.2566A>C (p.Lys856Gln)

Gene: ADGRA3 (adhesion G protein-coupled receptor A3; minus strand). Cytogenetic location: 4p15.2.
Variant type: single nucleotide variant.
Coding change: c.2566A>C on transcript NM_145290.4 (MANE Select); coding-DNA position 2566, A replaced by C.
Protein change: p.Lys856Gln; replaces lysine 856 with glutamine.
Molecular consequence: missense variant.
Genome position (GRCh38, 1-based): chr4:22,392,606, T>G on the plus strand (A>C on the coding strand, the complement: ADGRA3 is on the minus strand). VCF-style: chr4-22392606-T-G. GRCh37 (hg19) VCF-style: chr4-22394229-T-G.
Other names: c.2566A>C (NM_145290.2); short protein forms K856Q.
Identifiers: ClinVar variation 1715244 (VCV001715244.6), dbSNP rs1714179654, ClinGen allele CA356476024.

ClinVar aggregate classification (germline): Uncertain significance. Review status: criteria provided, multiple submitters, no conflicts (2 of 4 stars). 2 submissions from 2 submitters: Uncertain significance (2). Last evaluated 2025-09-05.

Allele frequency attached by ClinVar (database versions not stated): gnomAD exomes below 0.00001.
gnomAD v4.1: 1 of 1,614,058 alleles (0.000062%); highest among the groups gnomAD compares: Non-Finnish European, 0.000085%; no homozygotes.

Submissions (2):

Ambry Genetics
Classification: Uncertain significance. Last evaluated: 2025-09-05. Review status: criteria provided, single submitter. Criteria: Ambry Variant Classification Scheme 2023. Collection method: clinical testing. Allele origin: germline.

Labcorp Genetics (formerly Invitae), Labcorp
Classification: Uncertain significance. Last evaluated: 2022-08-05. Review status: criteria provided, single submitter. Criteria: Invitae Variant Classification Sherloc (09022015). Collection method: clinical testing. Allele origin: germline.
Comment: This variant is not present in population databases (gnomAD no frequency). In summary, the available evidence is currently insufficient to determine the role of this variant in disease. Therefore, it has been classified as a Variant of Uncertain Significance. Algorithms developed to predict the effect of missense changes on protein structure and function are either unavailable or do not agree on the potential impact of this missense change (SIFT: "Deleterious"; PolyPhen-2: "Benign"; Align-GVGD: "Class C0"). This variant has not been reported in the literature in individuals affected with ADGRA3-related conditions. This sequence change replaces lysine, which is basic and polar, with glutamine, which is neutral and polar, at codon 856 of the ADGRA3 protein (p.Lys856Gln).